The following is an entry in ClinVar:

ClinVar aggregate classification (germline): Uncertain significance. Review status: criteria provided, multiple submitters, no conflicts (2 of 4 stars). 3 submissions from 3 submitters: Uncertain significance (3). Last evaluated 2025-12-21.

Conditions:
Cardiovascular phenotype. Identifiers: MedGen CN230736.
Cardiomyopathy (CMYO). Also called: Cardiomyopathies. Identifiers: Orphanet 167848, MedGen C0878544, MONDO:0004994, HP:0001638. Inheritance: Various modes of inheritance.
Dilated cardiomyopathy 1W (CMD1W). Identifiers: Orphanet 154, MedGen C1969639, MONDO:0012667, OMIM 611407.

Allele frequency attached by ClinVar (database versions not stated): TOPMed 0.00001; gnomAD 0.00002; gnomAD exomes 0.00003 and 0.00006; ExAC 0.00004; ESP Exome Variant Server 0.00008.

Submissions (3):

Labcorp Genetics (formerly Invitae), Labcorp
Classification: Uncertain significance for Dilated cardiomyopathy 1W. Last evaluated: 2025-12-21. Review status: criteria provided, single submitter. Criteria: Invitae Variant Classification Sherloc (09022015). Collection method: clinical testing. Allele origin: germline.
Comment: This sequence change replaces alanine, which is neutral and non-polar, with valine, which is neutral and non-polar, at codon 340 of the VCL protein (p.Ala340Val). This variant is present in population databases (rs374928228, gnomAD 0.006%). This variant has not been reported in the literature in individuals affected with VCL-related conditions. ClinVar contains an entry for this variant (Variation ID: 915720). An algorithm developed to predict the effect of missense changes on protein structure and function (PolyPhen-2) suggests that this variant is likely to be tolerated. In summary, the available evidence is currently insufficient to determine the role of this variant in disease. Therefore, it has been classified as a Variant of Uncertain Significance.

Ambry Genetics
Classification: Uncertain significance for Cardiovascular phenotype. Last evaluated: 2025-06-30. Review status: criteria provided, single submitter. Criteria: Ambry Variant Classification Scheme 2023. Collection method: clinical testing. Allele origin: germline.
Comment: The p.A340V variant (also known as c.1019C>T), located in coding exon 8 of the VCL gene, results from a C to T substitution at nucleotide position 1019. The alanine at codon 340 is replaced by valine, an amino acid with similar properties. This amino acid position is conserved. In addition, this alteration is predicted to be tolerated by in silico analysis. Since supporting evidence is limited at this time, the clinical significance of this alteration remains unclear.

CHEO Genetics Diagnostic Laboratory, Children's Hospital of Eastern Ontario
Classification: Uncertain significance for Cardiomyopathy. Last evaluated: 2022-10-07. Review status: criteria provided, single submitter. Criteria: ACMG Guidelines, 2015. Collection method: clinical testing. Allele origin: germline.

NM_014000.3(VCL):c.1019C>T (p.Ala340Val)

Gene: VCL (vinculin; plus strand). Cytogenetic location: 10q22.2.
Variant type: single nucleotide variant.
Coding change: c.1019C>T on transcript NM_014000.3 (MANE Select); coding-DNA position 1019, C replaced by T.
Protein change: p.Ala340Val; replaces alanine 340 with valine.
Molecular consequence: missense variant.
Genome position (GRCh38, 1-based): chr10:74,083,510, C>T. VCF-style: chr10-74083510-C-T. GRCh37 (hg19) VCF-style: chr10-75843268-C-T.
Other names: c.1019C>T, p.Ala340Val (NM_003373.4); short protein forms A340V.
Identifiers: ClinVar variation 915720 (VCV000915720.13), dbSNP rs374928228, ClinGen allele CA5562903.